The following is an entry in ClinVar:

NC_000023.10:g.(?_31792067)_(31854946_?)dup

Gene: DMD (dystrophin; minus strand). Cytogenetic location: Xp21.1.
Variant type: Duplication.
Identifiers: ClinVar variation 639869 (VCV000639869.7).

ClinVar aggregate classification (germline): Uncertain significance (1 of 4 stars; one submission).

Conditions:
Duchenne muscular dystrophy (DMD). Also called: MUSCULAR DYSTROPHY, PSEUDOHYPERTROPHIC PROGRESSIVE, DUCHENNE TYPE; Duchenne Muscular Dystrophy (DMD). Identifiers: Orphanet 98896, MedGen C0013264, MONDO:0010679, OMIM 310200.

Submission:

Labcorp Genetics (formerly Invitae), Labcorp
Classification: Uncertain significance for Duchenne muscular dystrophy. Last evaluated: 2021-08-12. Review status: criteria provided, single submitter. Criteria: Invitae Variant Classification Sherloc (09022015). Collection method: clinical testing. Allele origin: germline.
Comment: This variant results in a copy number gain of the genomic region encompassing exon(s) 49-51 of the DMD gene. While the exact position of this variant cannot be determined from the data, sub-genic copy number gains are generally in tandem (PMID: 25640679). This variant is predicted to be in-frame, and likely preserves the integrity of the reading frame. A similar copy number variant has been observed in individual(s) with Duchenne muscular dystrophy (PMID: 21402533). Experimental studies and prediction algorithms are not available or were not evaluated, and the functional significance of this variant is currently unknown. In summary, the available evidence is currently insufficient to determine the role of this variant in disease. Therefore, it has been classified as a Variant of Uncertain Significance.

Literature cited by the submitters: PubMed 25640679; PubMed 21402533.